The following is an entry in ClinVar:

NM_001178020.3(BEAN1):c.25+244G>A

Gene: BEAN1 (brain expressed associated with NEDD4 1; plus strand). Cytogenetic location: 16q21.
Variant type: single nucleotide variant.
Coding change: c.25+244G>A on transcript NM_001178020.3 (MANE Select); 244 bases into the intron after coding-DNA position 25, G replaced by A.
Molecular consequence: intron variant.
Genome position (GRCh38, 1-based): chr16:66,437,945, G>A. VCF-style: chr16-66437945-G-A. GRCh37 (hg19) VCF-style: chr16-66471848-G-A.
Other names: c.-303+10514G>A (NM_001197224.4, NM_001136106.5).
Identifiers: ClinVar variation 2646594 (VCV002646594.24), dbSNP rs149138473, ClinGen allele CA282154623.

ClinVar aggregate classification (germline): Benign (1 of 4 stars; one submission).

Allele frequency attached by ClinVar (database versions not stated): 1000 Genomes Project 0.00080; 1000 Genomes Project 30x 0.00094; gnomAD 0.00188; TOPMed 0.00195; gnomAD exomes 0.00245.
gnomAD v4.1: 1,408 of 606,176 alleles (0.23%); highest among the groups gnomAD compares: Non-Finnish European, 0.34%; 3 homozygotes.

Submission:

CeGaT Center for Human Genetics Tuebingen
Classification: Benign. Last evaluated: 2022-10-01. Review status: criteria provided, single submitter. Criteria: CeGaT Center For Human Genetics Tuebingen Variant Classification Criteria Version 2. Collection method: clinical testing. Allele origin: germline. Affected: yes. Observed: 1 variant allele.
Comment: BEAN1: BS1, BS2